The following is an entry in ClinVar:

NM_006005.3(WFS1):c.1441_1447dup (p.Val483fs)

Gene: WFS1 (wolframin ER transmembrane glycoprotein; plus strand). Cytogenetic location: 4p16.1.
Variant type: Duplication.
Coding change: c.1441_1447dup on transcript NM_006005.3 (MANE Select); coding-DNA positions 1441 to 1447, 7 bases duplicated (CTGAAGG; older notation c.1441_1447dupCTGAAGG).
Protein change: p.Val483fs; shifts the reading frame from valine 483.
Molecular consequence: frameshift variant.
Genome position (GRCh38, 1-based): chr4:6,301,236-6,301,242, CTGAAGG duplicated. VCF-style (leftmost placement, unchanged base first): chr4-6301235-C-CCTGAAGG. GRCh37 (hg19) VCF-style: chr4-6302962-C-CCTGAAGG.
Other names: p.Val483AlafsX62; c.1441_1447dup, p.Val483fs (NM_001145853.1); c.1441_1447dupCTGAAGG (NM_006005.3); short protein forms V483fs.
Identifiers: ClinVar variation 166564 (VCV000166564.9), dbSNP rs727503745, ClinGen allele CA273296.

ClinVar aggregate classification (germline): Pathogenic/Likely pathogenic. Review status: criteria provided, multiple submitters, no conflicts (2 of 4 stars). 3 submissions from 3 submitters: Pathogenic (1); Likely pathogenic (1). 1 of the submissions does not count toward it. Last evaluated 2013-06-05.

Conditions:
Rare genetic deafness. Identifiers: Orphanet 96210, MedGen C5680250.
Wolfram syndrome 1 (WFS1). Identifiers: Orphanet 3463, MedGen C4551693, MONDO:0009101, OMIM 222300.

Submissions (3):

Laboratory for Molecular Medicine, Mass General Brigham Personalized Medicine
Classification: Pathogenic for Rare genetic deafness. Last evaluated: 2013-06-05. Review status: criteria provided, single submitter. Criteria: LMM Criteria. Collection method: clinical testing. Allele origin: germline. Inheritance: Autosomal recessive inheritance. Observed: 1 variant allele.
Comment: This frameshift variant is predicted to alter the protei n?s amino acid sequence beginning at position 483 and lead to a premature termin ation codon 62 amino acids downstream. This alteration is then predicted to lead to a truncated or absent protein. Truncating variants in WFS1 are established a s pathogenic for Wolfram syndrome. In summary, this variant meets our criteria t o be classified as pathogenic.

Clinical Genomics, Uppaluri K&H Personalized Medicine Clinic
Classification: Likely pathogenic for Wolfram syndrome 1. Review status: criteria provided, single submitter. Criteria: K & H Uppaluri Personalized Medicine Clinic Variant Classification & Assertion Criteria_Updated V.1. Collection method: research. Allele origin: unknown. Inheritance: Autosomal recessive inheritance.
Comment: Potent mutations in WFS1 gene are associated with Wolfram's syndrome, an autosomal recessive condition, which cause diabetes mellitus, diabetes insipidus, deafness and optic atrophy. However no sufficient evidence is found to ascertain the role of this particular variant rs727503745 in Wolfram's syndrome yet.

OMIM
Classification: Pathogenic for WOLFRAM SYNDROME 1. Last evaluated: 1998-10-01. Review status: no assertion criteria provided. Collection method: literature only. Allele origin: germline. Not counted in ClinVar's aggregate classification.

Literature cited by the submitters: PubMed 9771706 (cited by Laboratory for Molecular Medicine, Mass General Brigham Personalized Medicine and OMIM); PubMed 20738327 (cited by Clinical Genomics, Uppaluri K&H Personalized Medicine Clinic); PubMed 33879153 (cited by Clinical Genomics, Uppaluri K&H Personalized Medicine Clinic); PubMed 12955714 (cited by Clinical Genomics, Uppaluri K&H Personalized Medicine Clinic); PubMed 18060660 (cited by Clinical Genomics, Uppaluri K&H Personalized Medicine Clinic); PubMed 20301750 (cited by Clinical Genomics, Uppaluri K&H Personalized Medicine Clinic); PubMed 17603484 (cited by Clinical Genomics, Uppaluri K&H Personalized Medicine Clinic).